The following is an entry in ClinVar:

ClinVar aggregate classification (germline): Uncertain significance (1 of 4 stars; one submission).

Conditions:
Combined immunodeficiency due to LRBA deficiency. Also called: Common variable immunodeficiency 8, with autoimmunity. Identifiers: Orphanet 445018, MedGen C3553512, MONDO:0013863, OMIM 614700.

Submission:

Labcorp Genetics (formerly Invitae), Labcorp
Classification: Uncertain significance for Combined immunodeficiency due to LRBA deficiency. Last evaluated: 2022-05-18. Review status: criteria provided, single submitter. Criteria: Invitae Variant Classification Sherloc (09022015). Collection method: clinical testing. Allele origin: germline.
Comment: This sequence change replaces leucine, which is neutral and non-polar, with phenylalanine, which is neutral and non-polar, at codon 263 of the LRBA protein (p.Leu263Phe). This variant is present in population databases (rs143625481, gnomAD 0.006%). This variant has not been reported in the literature in individuals affected with LRBA-related conditions. Algorithms developed to predict the effect of missense changes on protein structure and function are either unavailable or do not agree on the potential impact of this missense change (SIFT: "Tolerated"; PolyPhen-2: "Probably Damaging"; Align-GVGD: "Class C0"). In summary, the available evidence is currently insufficient to determine the role of this variant in disease. Therefore, it has been classified as a Variant of Uncertain Significance.

NM_001364905.1(LRBA):c.787C>T (p.Leu263Phe)

Gene: LRBA (LPS responsive beige-like anchor protein; minus strand). Cytogenetic location: 4q31.3.
Variant type: single nucleotide variant.
Coding change: c.787C>T on transcript NM_001364905.1 (MANE Select); coding-DNA position 787, C replaced by T.
Protein change: p.Leu263Phe; replaces leucine 263 with phenylalanine.
Molecular consequence: missense variant.
Genome position (GRCh38, 1-based): chr4:150,916,508, G>A on the plus strand (C>T on the coding strand, the complement: LRBA is on the minus strand). VCF-style: chr4-150916508-G-A. GRCh37 (hg19) VCF-style: chr4-151837660-G-A.
Other names: c.787C>T, p.Leu263Phe (NM_001367550.1, NM_006726.5, NM_001199282.3); short protein forms L263F.
Identifiers: ClinVar variation 2046026 (VCV002046026.2), dbSNP rs143625481, ClinGen allele CA107826082.